The following is an entry in ClinVar:

NM_001079668.3(NKX2-1):c.77+6A>T

Genes: NKX2-1-AS1 (NKX2-1 antisense RNA 1; plus strand), NKX2-1 (NK2 homeobox 1; minus strand). Cytogenetic location: 14q13.3.
Variant type: single nucleotide variant.
Coding change: c.77+6A>T on transcript NM_001079668.3 (MANE Select); 6 bases into the intron after coding-DNA position 77, A replaced by T.
Molecular consequence: intron variant.
Genome position (GRCh38, 1-based): chr14:36,520,047, T>A on the plus strand (A>T on the coding strand, the complement: NKX2-1 is on the minus strand). VCF-style: chr14-36520047-T-A. GRCh37 (hg19) VCF-style: chr14-36989252-T-A.
Identifiers: ClinVar variation 2154494 (VCV002154494.4), dbSNP rs1881280219, ClinGen allele CA2580088062.
Genomic context (GRCh38, chr14:36,520,047, plus strand): 5'-CGGGGTTCCCCGGGCACGGACAGGTCTTTAGGAGGAGGGGGCTGAGGGACAGGGTGGGGG[T>A]TTCACCTGAGCCTGCCGGGGCTGCTCCTCCCTCCCGCCGCGGCCTCCCAGCCCCGCGCCT-3'

ClinVar aggregate classification (germline): Uncertain significance (1 of 4 stars; one submission).

Allele frequency attached by ClinVar (database versions not stated): gnomAD exomes 0.00001.
gnomAD v4.1: 8 of 1,611,592 alleles (0.0005%); highest among the groups gnomAD compares: Non-Finnish European, 0.00068%; no homozygotes.

Submission:

Labcorp Genetics (formerly Invitae), Labcorp
Classification: Uncertain significance. Last evaluated: 2022-05-24. Review status: criteria provided, single submitter. Criteria: Invitae Variant Classification Sherloc (09022015). Collection method: clinical testing. Allele origin: germline.
Comment: In summary, the available evidence is currently insufficient to determine the role of this variant in disease. Therefore, it has been classified as a Variant of Uncertain Significance. Variants that disrupt the consensus splice site are a relatively common cause of aberrant splicing (PMID: 17576681, 9536098). Algorithms developed to predict the effect of sequence changes on RNA splicing suggest that this variant is not likely to affect RNA splicing. This variant has not been reported in the literature in individuals affected with NKX2-1-related conditions. This variant is not present in population databases (gnomAD no frequency). This sequence change falls in intron 1 of the NKX2-1 gene. It does not directly change the encoded amino acid sequence of the NKX2-1 protein. It affects a nucleotide within the consensus splice site.

Literature cited by the submitters: PubMed 17576681; PubMed 9536098.